The following is an entry in ClinVar:

ClinVar aggregate classification (germline): Pathogenic (1 of 4 stars; one submission).

Conditions:
Holoprosencephaly 5 (HPE5). Identifiers: Orphanet 2162, MedGen C1864827, MONDO:0012322, OMIM 609637.

Submission:

Labcorp Genetics (formerly Invitae), Labcorp
Classification: Pathogenic for Holoprosencephaly 5. Last evaluated: 2016-09-16. Review status: criteria provided, single submitter. Criteria: Invitae Variant Classification Sherloc (09022015). Collection method: clinical testing. Allele origin: germline.
Comment: This sequence change affects an acceptor splice site in intron 1 of the ZIC2 gene. It is expected to disrupt mRNA splicing and likely results in an absent or disrupted protein product. This variant has not been reported in the literature in an individual with a ZIC2-related disease. Â¬â€ However, a sequence change at an adjacent nucleotide that affects the same intron 1 acceptor splice site (c.1076-1G>A) has been reported in three individuals affected with holoprosencephaly (PMID: 19177455). For these reasons, this variant has been classified as Pathogenic.

NM_007129.5(ZIC2):c.1076-2A>T

Gene: ZIC2 (Zic family member 2; plus strand). Cytogenetic location: 13q32.3.
Variant type: single nucleotide variant.
Coding change: c.1076-2A>T on transcript NM_007129.5 (MANE Select); the canonical splice acceptor site of the intron before coding-DNA position 1076, A replaced by T.
Molecular consequence: splice acceptor variant.
Genome position (GRCh38, 1-based): chr13:99,984,944, A>T. VCF-style: chr13-99984944-A-T. GRCh37 (hg19) VCF-style: chr13-100637198-A-T.
Identifiers: ClinVar variation 468364 (VCV000468364.1), dbSNP rs1555332361, ClinGen allele CA388638751.
Genomic context (GRCh38, chr13:99,984,944, plus strand): 5'-CTGAGTGGGGGCTCTGCAGGCTCTGGGTGTCTGCAGCCAGCGCCGATGTTTGCCGTCCAC[A>T]GGGGAGAAGCCGTTCCAGTGTGAGTTTGAGGGCTGCGACCGGCGCTTCGCCAACAGCAGC-3'